The following is an entry in ClinVar:

NM_004211.5(SLC6A5):c.856T>C (p.Tyr286His)

Gene: SLC6A5 (solute carrier family 6 member 5; plus strand). Cytogenetic location: 11p15.1.
Variant type: single nucleotide variant.
Coding change: c.856T>C on transcript NM_004211.5 (MANE Select); coding-DNA position 856, T replaced by C.
Protein change: p.Tyr286His; replaces tyrosine 286 with histidine.
Molecular consequence: missense variant.
Genome position (GRCh38, 1-based): chr11:20,607,523, T>C. VCF-style: chr11-20607523-T-C. GRCh37 (hg19) VCF-style: chr11-20629069-T-C.
Other names: c.154T>C, p.Tyr52His (NM_001318369.2); short protein forms Y52H, Y286H.
Identifiers: ClinVar variation 4631477 (VCV004631477.2).

ClinVar aggregate classification (germline): Uncertain significance. Review status: criteria provided, multiple submitters, no conflicts (2 of 4 stars). 2 submissions from 2 submitters: Uncertain significance (2). Last evaluated 2025-12-11.

Conditions:
Hyperekplexia 3 (HKPX3). Also called: HYPEREKPLEXIA 3, AUTOSOMAL RECESSIVE; HYPEREKPLEXIA 3, AUTOSOMAL DOMINANT. Identifiers: Orphanet 3197, MedGen C3553288, MONDO:0013827, OMIM 614618.
Inborn genetic diseases. Identifiers: MedGen C0950123, MeSH D030342.

gnomAD v4.1: 9 of 1,614,112 alleles (0.00056%); highest among the groups gnomAD compares: South Asian, 0.0011%; no homozygotes.

Submissions (2):

Labcorp Genetics (formerly Invitae), Labcorp
Classification: Uncertain significance for Hyperekplexia 3. Last evaluated: 2025-12-11. Review status: criteria provided, single submitter. Criteria: Invitae Variant Classification Sherloc (09022015). Collection method: clinical testing. Allele origin: germline.
Comment: This sequence change replaces tyrosine, which is neutral and polar, with histidine, which is basic and polar, at codon 286 of the SLC6A5 protein (p.Tyr286His). This variant is present in population databases (rs752732733, gnomAD 0.003%). This variant has not been reported in the literature in individuals affected with SLC6A5-related conditions. Invitae Evidence Modeling of protein sequence and biophysical properties (such as structural, functional, and spatial information, amino acid conservation, physicochemical variation, residue mobility, and thermodynamic stability) has been performed for this missense variant. However, the output from this modeling did not meet the statistical confidence thresholds required to predict the impact of this variant on SLC6A5 protein function. In summary, the available evidence is currently insufficient to determine the role of this variant in disease. Therefore, it has been classified as a Variant of Uncertain Significance.

Ambry Genetics
Classification: Uncertain significance for Inborn genetic diseases. Last evaluated: 2025-09-26. Review status: criteria provided, single submitter. Criteria: Ambry Variant Classification Scheme 2023. Collection method: clinical testing. Allele origin: germline.